The following is an entry in ClinVar:

ClinVar aggregate classification (germline): Uncertain significance (1 of 4 stars; one submission).

Submission:

Ambry Genetics
Classification: Uncertain significance. Last evaluated: 2022-11-17. Review status: criteria provided, single submitter. Criteria: Ambry Variant Classification Scheme 2023. Collection method: clinical testing. Allele origin: germline.
Comment: The p.G4118R variant (also known as c.12352G>C), located in coding exon 86 of the PRKDC gene, results from a G to C substitution at nucleotide position 12352. The glycine at codon 4118 is replaced by arginine, an amino acid with dissimilar properties. This amino acid position is conserved. In addition, this alteration is predicted to be deleterious by in silico analysis. Since supporting evidence is limited at this time, the clinical significance of this alteration remains unclear.

NM_006904.7(PRKDC):c.12352G>C (p.Gly4118Arg)

Gene: PRKDC (protein kinase, DNA-activated, catalytic subunit; minus strand). Cytogenetic location: 8q11.21.
Variant type: single nucleotide variant.
Coding change: c.12352G>C on transcript NM_006904.7 (MANE Select); coding-DNA position 12352, G replaced by C.
Protein change: p.Gly4118Arg; replaces glycine 4118 with arginine.
Molecular consequence: missense variant.
Genome position (GRCh38, 1-based): chr8:47,774,208, C>G on the plus strand (G>C on the coding strand, the complement: PRKDC is on the minus strand). VCF-style: chr8-47774208-C-G. GRCh37 (hg19) VCF-style: chr8-48686769-C-G.
Other names: c.12259G>C, p.Gly4087Arg (NM_001081640.2); short protein forms G4118R, G4087R.
Identifiers: ClinVar variation 2453365 (VCV002453365.2), dbSNP rs2551859120, ClinGen allele CA371126512.